The following is an entry in ClinVar:

NM_003705.5(SLC25A12):c.1468C>T (p.Arg490Ter)

Gene: SLC25A12 (solute carrier family 25 member 12; minus strand). Cytogenetic location: 2q31.1.
Variant type: single nucleotide variant.
Coding change: c.1468C>T on transcript NM_003705.5 (MANE Select); coding-DNA position 1468, C replaced by T.
Protein change: p.Arg490Ter; replaces arginine 490 with a stop codon.
Molecular consequence: nonsense. On other transcripts: non-coding transcript variant (1).
Genome position (GRCh38, 1-based): chr2:171,791,568, G>A on the plus strand (C>T on the coding strand, the complement: SLC25A12 is on the minus strand). VCF-style: chr2-171791568-G-A. GRCh37 (hg19) VCF-style: chr2-172648078-G-A.
Other names: short protein forms R490*.
Identifiers: ClinVar variation 1454667 (VCV001454667.6), dbSNP rs762189046, ClinGen allele CA10612741.

ClinVar aggregate classification (germline): Pathogenic/Likely pathogenic. Review status: criteria provided, multiple submitters, no conflicts (2 of 4 stars). 2 submissions from 2 submitters: Pathogenic (1); Likely pathogenic (1). Last evaluated 2023-02-14.

gnomAD v4.1: 2 of 1,613,968 alleles (0.00012%); highest among the groups gnomAD compares: Non-Finnish European, 0.00017%; no homozygotes.

Submissions (2):

GeneDx
Classification: Likely pathogenic. Last evaluated: 2023-02-14. Review status: criteria provided, single submitter. Criteria: GeneDx Variant Classification Process June 2021. Collection method: clinical testing. Allele origin: germline. Affected: yes.
Comment: Nonsense variant predicted to result in protein truncation or nonsense mediated decay in a gene for which loss-of-function is a known mechanism of disease; Not observed at significant frequency in large population cohorts (gnomAD); Has not been previously published as pathogenic or benign to our knowledge; This variant is associated with the following publications: (PMID: 27535533)

Labcorp Genetics (formerly Invitae), Labcorp
Classification: Pathogenic. Last evaluated: 2021-06-10. Review status: criteria provided, single submitter. Criteria: Invitae Variant Classification Sherloc (09022015). Collection method: clinical testing. Allele origin: germline.
Comment: For these reasons, this variant has been classified as Pathogenic. This variant has not been reported in the literature in individuals with SLC25A12-related conditions. This variant is not present in population databases (ExAC no frequency). This sequence change creates a premature translational stop signal (p.Arg490*) in the SLC25A12 gene. It is expected to result in an absent or disrupted protein product. Loss-of-function variants in SLC25A12 are known to be pathogenic (PMID: 20015484, 31403263).

Literature cited by the submitters: PubMed 20015484 (cited by Labcorp Genetics (formerly Invitae), Labcorp); PubMed 31403263 (cited by Labcorp Genetics (formerly Invitae), Labcorp).